The following is an entry in ClinVar:

ClinVar aggregate classification (germline): Uncertain significance (1 of 4 stars; one submission).

Conditions:
Epidermodysplasia verruciformis, susceptibility to, 1. Identifiers: Orphanet 302, MedGen C4722564, MONDO:0100045, OMIM 226400.

Allele frequency attached by ClinVar (database versions not stated): gnomAD exomes below 0.00001.
gnomAD v4.1: 1 of 1,578,128 alleles (0.000063%); highest among the groups gnomAD compares: South Asian, 0.0011%; no homozygotes.

Submission:

Labcorp Genetics (formerly Invitae), Labcorp
Classification: Uncertain significance for Epidermodysplasia Verruciformis. Last evaluated: 2018-08-28. Review status: criteria provided, single submitter. Criteria: Invitae Variant Classification Sherloc (09022015). Collection method: clinical testing. Allele origin: germline.
Comment: This sequence change replaces proline with alanine at codon 721 of the TMC8 protein (p.Pro721Ala). The proline residue is weakly conserved and there is a small physicochemical difference between proline and alanine. This variant is not present in population databases (ExAC no frequency). This variant has not been reported in the literature in individuals with TMC8-related disease. Algorithms developed to predict the effect of missense changes on protein structure and function (SIFT, PolyPhen-2, Align-GVGD) all suggest that this variant is likely to be tolerated, but these predictions have not been confirmed by published functional studies and their clinical significance is uncertain. In summary, the available evidence is currently insufficient to determine the role of this variant in disease. Therefore, it has been classified as a Variant of Uncertain Significance.

NM_152468.5(TMC8):c.2161C>G (p.Pro721Ala)

Gene: TMC8 (transmembrane channel like 8; plus strand). Cytogenetic location: 17q25.3.
Variant type: single nucleotide variant.
Coding change: c.2161C>G on transcript NM_152468.5 (MANE Select); coding-DNA position 2161, C replaced by G.
Protein change: p.Pro721Ala; replaces proline 721 with alanine.
Molecular consequence: missense variant.
Genome position (GRCh38, 1-based): chr17:78,141,092, C>G. VCF-style: chr17-78141092-C-G. GRCh37 (hg19) VCF-style: chr17-76137173-C-G.
Other names: short protein forms P721A.
Identifiers: ClinVar variation 640919 (VCV000640919.1), dbSNP rs1187732896, ClinGen allele CA401254907.